The following is an entry in ClinVar:

NM_032043.3(BRIP1):c.1362A>G (p.Glu454=)

Gene: BRIP1 (BRCA1 interacting DNA helicase 1; minus strand). Cytogenetic location: 17q23.2.
Variant type: single nucleotide variant.
Coding change: c.1362A>G on transcript NM_032043.3 (MANE Select); coding-DNA position 1362, A replaced by G.
Protein change: p.Glu454=; no amino-acid change (glutamic acid 454 retained).
Molecular consequence: synonymous variant.
Genome position (GRCh38, 1-based): chr17:61,793,708, T>C on the plus strand (A>G on the coding strand, the complement: BRIP1 is on the minus strand). VCF-style: chr17-61793708-T-C. GRCh37 (hg19) VCF-style: chr17-59871069-T-C.
Identifiers: ClinVar variation 630529 (VCV000630529.16), dbSNP rs786202553, ClinGen allele CA501151305.

ClinVar aggregate classification (germline): Benign/Likely benign. Review status: criteria provided, multiple submitters, no conflicts (2 of 4 stars). 5 submissions from 5 submitters: Benign (1); Likely benign (4). Last evaluated 2025-04-30.

Conditions:
Hereditary cancer-predisposing syndrome. Also called: Hereditary Cancer Syndrome; Neoplastic Syndromes, Hereditary; Tumor predisposition; Hereditary neoplastic syndrome. Identifiers: Orphanet 140162, MedGen C0027672, MeSH D009386, MONDO:0015356.
Familial cancer of breast. Also called: BREAST CANCER, FAMILIAL; hereditary breast carcinoma; Hereditary breast cancer. Identifiers: Orphanet 227535, MedGen C0346153, MONDO:0016419, OMIM 114480. Disease mechanism: loss of function.
Fanconi anemia complementation group J. Also called: BRIP1-Related Fanconi Anemia. Identifiers: Orphanet 84, MedGen C1836860, MONDO:0012187, OMIM 609054.

Allele frequency attached by ClinVar (database versions not stated): TOPMed 0.00001.

Submissions (5):

Labcorp Genetics (formerly Invitae), Labcorp
Classification: Likely benign for Familial cancer of breast; Fanconi anemia complementation group J. Last evaluated: 2025-04-30. Review status: criteria provided, single submitter. Criteria: Invitae Variant Classification Sherloc (09022015). Collection method: clinical testing. Allele origin: germline.

Myriad Genetics, Inc.
Classification: Benign for Familial cancer of breast. Last evaluated: 2024-08-27. Review status: criteria provided, single submitter. Criteria: Myriad Autosomal Dominant, Autosomal Recessive and X-Linked Classification Criteria (2023). Collection method: clinical testing. Allele origin: unknown.
Comment: This variant is considered benign. This variant is a silent/synonymous amino acid change and it is not expected to impact splicing.

Ambry Genetics
Classification: Likely benign for Hereditary cancer-predisposing syndrome. Last evaluated: 2020-11-09. Review status: criteria provided, single submitter. Criteria: Ambry Variant Classification Scheme 2023. Collection method: clinical testing. Allele origin: germline.

GeneDx
Classification: Likely benign. Last evaluated: 2018-05-03. Review status: criteria provided, single submitter. Criteria: GeneDx Variant Classification (06012015). Collection method: clinical testing. Allele origin: germline. Affected: yes.
Comment: This variant is considered likely benign or benign based on one or more of the following criteria: it is a conservative change, it occurs at a poorly conserved position in the protein, it is predicted to be benign by multiple in silico algorithms, and/or has population frequency not consistent with disease.

Color Diagnostics, LLC DBA Color Health
Classification: Likely benign for Hereditary cancer-predisposing syndrome. Last evaluated: 2018-03-27. Review status: criteria provided, single submitter. Criteria: ACMG Guidelines, 2015. Collection method: clinical testing. Allele origin: germline.